The following is an entry in ClinVar:

ClinVar aggregate classification (germline): Uncertain significance. Review status: criteria provided, multiple submitters, no conflicts (2 of 4 stars). 2 submissions from 2 submitters: Uncertain significance (2). Last evaluated 2025-02-03.

Allele frequency attached by ClinVar (database versions not stated): gnomAD exomes 0.00001; ExAC 0.00002.
gnomAD v4.1: 3 of 1,614,220 alleles (0.00019%); highest among the groups gnomAD compares: South Asian, 0.0033%; no homozygotes.

Submissions (2):

Labcorp Genetics (formerly Invitae), Labcorp
Classification: Uncertain significance. Last evaluated: 2025-02-03. Review status: criteria provided, single submitter. Criteria: Invitae Variant Classification Sherloc (09022015). Collection method: clinical testing. Allele origin: germline.
Comment: This sequence change replaces lysine, which is basic and polar, with arginine, which is basic and polar, at codon 292 of the ASRGL1 protein (p.Lys292Arg). This variant is present in population databases (rs750081668, gnomAD 0.01%). This variant has not been reported in the literature in individuals affected with ASRGL1-related conditions. ClinVar contains an entry for this variant (Variation ID: 1009860). An algorithm developed to predict the effect of missense changes on protein structure and function outputs the following: PolyPhen-2: "Benign". The arginine amino acid residue is found in multiple mammalian species, which suggests that this missense change does not adversely affect protein function. In summary, the available evidence is currently insufficient to determine the role of this variant in disease. Therefore, it has been classified as a Variant of Uncertain Significance.

Ambry Genetics
Classification: Uncertain significance. Last evaluated: 2024-06-05. Review status: criteria provided, single submitter. Criteria: Ambry Variant Classification Scheme 2023. Collection method: clinical testing. Allele origin: germline.

NM_001083926.2(ASRGL1):c.875A>G (p.Lys292Arg)

Gene: ASRGL1 (asparaginase and isoaspartyl peptidase 1; plus strand). Cytogenetic location: 11q12.3.
Variant type: single nucleotide variant.
Coding change: c.875A>G on transcript NM_001083926.2 (MANE Select); coding-DNA position 875, A replaced by G.
Protein change: p.Lys292Arg; replaces lysine 292 with arginine.
Molecular consequence: missense variant.
Genome position (GRCh38, 1-based): chr11:62,392,232, A>G. VCF-style: chr11-62392232-A-G. GRCh37 (hg19) VCF-style: chr11-62159704-A-G.
Other names: c.875A>G (NM_001083926.1); c.875A>G, p.Lys292Arg (NM_025080.4); short protein forms K292R.
Identifiers: ClinVar variation 1009860 (VCV001009860.9), dbSNP rs750081668, ClinGen allele CA6043345.